The following is an entry in ClinVar:

ClinVar aggregate classification (germline): Pathogenic (1 of 4 stars; one submission).

Submission:

GeneDx
Classification: Pathogenic. Last evaluated: 2025-06-20. Review status: criteria provided, single submitter. Criteria: GeneDx Variant Classification Process June 2021. Collection method: clinical testing. Allele origin: germline. Affected: yes.
Comment: Published functional studies demonstrate a damaging effect on ATPase activity, protein formation of aggregates, and protein folding (PMID: 34381968); Not observed at significant frequency in large population cohorts (gnomAD); In silico analysis supports that this missense variant has a deleterious effect on protein structure/function; This variant is associated with the following publications: (PMID: 37475546, 30174453, 36344372, 36087810, 33057194, 35982159, 34381968)

NM_001356.5(DDX3X):c.1667T>C (p.Leu556Ser)

Gene: DDX3X (DEAD-box helicase 3 X-linked; plus strand). Cytogenetic location: Xp11.4.
Variant type: single nucleotide variant.
Coding change: c.1667T>C on transcript NM_001356.5 (MANE Select); coding-DNA position 1667, T replaced by C.
Protein change: p.Leu556Ser; replaces leucine 556 with serine.
Molecular consequence: missense variant. On other transcripts: non-coding transcript variant (1).
Genome position (GRCh38, 1-based): chrX:41,346,910, T>C. VCF-style: chrX-41346910-T-C. GRCh37 (hg19) VCF-style: chrX-41206163-T-C.
Other names: c.1667T>C, p.Leu556Ser (NM_001193416.3); c.1619T>C, p.Leu540Ser (NM_001193417.3); c.1109T>C, p.Leu370Ser (NM_001363819.1); short protein forms L556S, L540S, L370S.
Identifiers: ClinVar variation 381804 (VCV000381804.3), dbSNP rs1057521175, ClinGen allele CA16608473.